The following is an entry in ClinVar:

ClinVar aggregate classification (germline): Benign. Review status: criteria provided, multiple submitters, no conflicts (2 of 4 stars). 2 submissions from 2 submitters: Benign (2). Last evaluated 2018-06-14.

Allele frequency attached by ClinVar (database versions not stated): gnomAD exomes 0.64931; gnomAD 0.65832 and 0.66220; TOPMed 0.67700; 1000 Genomes Project 30x 0.72111; 1000 Genomes Project 0.72165.
gnomAD v4.1: 554,422 of 849,614 alleles (65%); highest among the groups gnomAD compares: East Asian, 82%; 183,124 homozygotes.

Submissions (2):

GeneDx
Classification: Benign. Last evaluated: 2018-06-14. Review status: criteria provided, single submitter. Criteria: GeneDx Variant Classification (06012015). Collection method: clinical testing. Allele origin: germline. Affected: yes.
Comment: This variant is considered likely benign or benign based on one or more of the following criteria: it is a conservative change, it occurs at a poorly conserved position in the protein, it is predicted to be benign by multiple in silico algorithms, and/or has population frequency not consistent with disease.

Breakthrough Genomics
Classification: Benign. Review status: criteria provided, single submitter. Criteria: ACMG Guidelines, 2015. Collection method: not provided. Allele origin: germline. Inheritance: Autosomal dominant inheritance. Affected: yes.

NM_174934.4(SCN4B):c.593+146C>T

Gene: SCN4B (sodium voltage-gated channel beta subunit 4; minus strand). Cytogenetic location: 11q23.3.
Variant type: single nucleotide variant.
Coding change: c.593+146C>T on transcript NM_174934.4 (MANE Select); 146 bases into the intron after coding-DNA position 593, C replaced by T.
Molecular consequence: intron variant.
Genome position (GRCh38, 1-based): chr11:118,141,061, G>A on the plus strand (C>T on the coding strand, the complement: SCN4B is on the minus strand). VCF-style: chr11-118141061-G-A. GRCh37 (hg19) VCF-style: chr11-118011776-G-A.
Other names: c.191+146C>T (NM_001142348.2); c.263+146C>T (NM_001142349.2).
Identifiers: ClinVar variation 671916 (VCV000671916.2), dbSNP rs668468, ClinGen allele CA13398927.